The following is an entry in ClinVar:

ClinVar aggregate classification (germline): Likely benign. Review status: criteria provided, multiple submitters, no conflicts (2 of 4 stars). 3 submissions from 3 submitters: Likely benign (2). 1 of the submissions does not count toward it. Last evaluated 2025-11-22.

Conditions:
Colorectal cancer, hereditary nonpolyposis, type 7. Identifiers: Orphanet 144, MedGen C1858380, MONDO:0013725, OMIM 614385.
MLH3-related disorder. Also called: MLH3-related condition.

Allele frequency attached by ClinVar (database versions not stated): gnomAD 0.00002; TOPMed 0.00008; gnomAD exomes 0.00011 and 0.00025; ExAC 0.00022.
gnomAD v4.1: 71 of 1,614,052 alleles (0.0044%); highest among the groups gnomAD compares: Admixed American, 0.12%; no homozygotes.

Submissions (3):

Labcorp Genetics (formerly Invitae), Labcorp
Classification: Likely benign for Colorectal cancer, hereditary nonpolyposis, type 7. Last evaluated: 2025-11-22. Review status: criteria provided, single submitter. Criteria: Invitae Variant Classification Sherloc (09022015). Collection method: clinical testing. Allele origin: germline.

Ambry Genetics
Classification: Likely benign. Last evaluated: 2020-09-28. Review status: criteria provided, single submitter. Criteria: Ambry Variant Classification Scheme 2023. Collection method: clinical testing. Allele origin: germline.

PreventionGenetics, part of Exact Sciences
Classification: Likely benign for MLH3-related condition. Last evaluated: 2023-02-16. Review status: no assertion criteria provided. Collection method: clinical testing. Allele origin: germline. Not counted in ClinVar's aggregate classification.
Comment: This variant is classified as likely benign based on ACMG/AMP sequence variant interpretation guidelines (Richards et al. 2015 PMID: 25741868, with internal and published modifications).

NM_001040108.2(MLH3):c.184G>A (p.Gly62Arg)

Gene: MLH3 (mutL homolog 3; minus strand). Cytogenetic location: 14q24.3.
Variant type: single nucleotide variant.
Coding change: c.184G>A on transcript NM_001040108.2 (MANE Select); coding-DNA position 184, G replaced by A.
Protein change: p.Gly62Arg; replaces glycine 62 with arginine.
Molecular consequence: missense variant.
Genome position (GRCh38, 1-based): chr14:75,049,472, C>T on the plus strand (G>A on the coding strand, the complement: MLH3 is on the minus strand). VCF-style: chr14-75049472-C-T. GRCh37 (hg19) VCF-style: chr14-75516175-C-T.
Other names: c.184G>A, p.Gly62Arg (NM_014381.3); short protein forms G62R.
Identifiers: ClinVar variation 478022 (VCV000478022.16), dbSNP rs761501352, ClinGen allele CA7276081.